The following is an entry in ClinVar:

NM_004100.5(EYA4):c.1451G>A (p.Arg484His)

Genes: EYA4 (EYA transcriptional coactivator and phosphatase 4; plus strand), TARID (TCF21 antisense RNA inducing promoter demethylation; minus strand). Cytogenetic location: 6q23.2.
Variant type: single nucleotide variant.
Coding change: c.1451G>A on transcript NM_004100.5 (MANE Select); coding-DNA position 1451, G replaced by A.
Protein change: p.Arg484His; replaces arginine 484 with histidine.
Molecular consequence: missense variant.
Genome position (GRCh38, 1-based): chr6:133,512,988, G>A. VCF-style: chr6-133512988-G-A. GRCh37 (hg19) VCF-style: chr6-133834126-G-A.
Other names: c.1289G>A, p.Arg430His (NM_001301012.2); c.1469G>A, p.Arg490His (NM_001301013.2); c.1382G>A, p.Arg461His (NM_001370458.1, NM_172103.4); c.1307G>A, p.Arg436His (NM_001370459.1); c.1451G>A, p.Arg484His (NM_172105.4); c.1451G>A (NM_004100.4); short protein forms R430H, R436H, R461H, R484H, R490H.
Identifiers: ClinVar variation 1015273 (VCV001015273.10), dbSNP rs78414369, ClinGen allele CA365715396.

ClinVar aggregate classification (germline): Uncertain significance. Review status: criteria provided, multiple submitters, no conflicts (2 of 4 stars). 3 submissions from 3 submitters: Uncertain significance (3). Last evaluated 2025-05-18.

Conditions:
Cardiovascular phenotype. Identifiers: MedGen CN230736.
Dilated cardiomyopathy 1J (CMD1J). Also called: CARDIOMYOPATHY, DILATED, WITH SENSORINEURAL HEARING LOSS, AUTOSOMAL DOMINANT. Identifiers: Orphanet 217622, MedGen C1854368, MONDO:0011541, OMIM 605362.

Allele frequency attached by ClinVar (database versions not stated): gnomAD exomes below 0.00001.
gnomAD v4.1: 4 of 1,614,112 alleles (0.00025%); highest among the groups gnomAD compares: African/African-American, 0.0013%; no homozygotes.

Submissions (3):

Ambry Genetics
Classification: Uncertain significance for Cardiovascular phenotype. Last evaluated: 2025-05-18. Review status: criteria provided, single submitter. Criteria: Ambry Variant Classification Scheme 2023. Collection method: clinical testing. Allele origin: germline.
Comment: The p.R484H variant (also known as c.1451G>A), located in coding exon 15 of the EYA4 gene, results from a G to A substitution at nucleotide position 1451. The arginine at codon 484 is replaced by histidine, an amino acid with highly similar properties. This amino acid position is conserved. In addition, this alteration is predicted to be deleterious by in silico analysis. Based on the available evidence, the clinical significance of this variant remains unclear.

Labcorp Genetics (formerly Invitae), Labcorp
Classification: Uncertain significance for Dilated cardiomyopathy 1J. Last evaluated: 2023-02-21. Review status: criteria provided, single submitter. Criteria: Invitae Variant Classification Sherloc (09022015). Collection method: clinical testing. Allele origin: germline.
Comment: This sequence change replaces arginine, which is basic and polar, with histidine, which is basic and polar, at codon 484 of the EYA4 protein (p.Arg484His). In summary, the available evidence is currently insufficient to determine the role of this variant in disease. Therefore, it has been classified as a Variant of Uncertain Significance. Advanced modeling of protein sequence and biophysical properties (such as structural, functional, and spatial information, amino acid conservation, physicochemical variation, residue mobility, and thermodynamic stability) performed at Invitae indicates that this missense variant is expected to disrupt EYA4 protein function. ClinVar contains an entry for this variant (Variation ID: 1015273). This variant has not been reported in the literature in individuals affected with EYA4-related conditions. This variant is not present in population databases (gnomAD no frequency).

AiLife Diagnostics
Classification: Uncertain significance. Last evaluated: 2021-09-22. Review status: criteria provided, single submitter. Criteria: ACMG Guidelines, 2015. Collection method: clinical testing. Allele origin: germline. Affected: yes. Observed: 1 variant allele.